The following is an entry in ClinVar:

NM_006346.4(PIBF1):c.1850C>T (p.Ser617Leu)

Gene: PIBF1 (progesterone immunomodulatory binding factor 1; plus strand). Cytogenetic location: 13q22.1.
Variant type: single nucleotide variant.
Coding change: c.1850C>T on transcript NM_006346.4 (MANE Select); coding-DNA position 1850, C replaced by T.
Protein change: p.Ser617Leu; replaces serine 617 with leucine.
Molecular consequence: missense variant. On other transcripts: non-coding transcript variant (2).
Genome position (GRCh38, 1-based): chr13:72,965,290, C>T. VCF-style: chr13-72965290-C-T. GRCh37 (hg19) VCF-style: chr13-73539428-C-T.
Other names: c.1937C>T, p.Ser646Leu (NM_001349655.2); short protein forms S617L, S646L.
Identifiers: ClinVar variation 1979355 (VCV001979355.4), dbSNP rs759903563, ClinGen allele CA7002429.
Genomic context (GRCh38, chr13:72,965,290, plus strand): 5'-GTTGTCACATTTTCTAGATTTTAATGAAACCTGTGTTTCTTTAGCTTGACAGAGCCAATT[C>T]GCTATTAAACCAGACTCAACAGCCTTACAGGTATCTCATTGAATCAGTGCGTCAGAGAGA-3'
Protein context (NP_006337.2, residues 607-627): QLSQELDRAN[Ser617Leu]LLNQTQQPYR

ClinVar aggregate classification (germline): Uncertain significance (1 of 4 stars; one submission).

Allele frequency attached by ClinVar (database versions not stated): TOPMed below 0.00001; ExAC 0.00002.
gnomAD v4.1: 7 of 1,609,272 alleles (0.00043%); highest among the groups gnomAD compares: Admixed American, 0.0084%; no homozygotes.

Submission:

Labcorp Genetics (formerly Invitae), Labcorp
Classification: Uncertain significance. Last evaluated: 2022-08-15. Review status: criteria provided, single submitter. Criteria: Invitae Variant Classification Sherloc (09022015). Collection method: clinical testing. Allele origin: germline.
Comment: In summary, the available evidence is currently insufficient to determine the role of this variant in disease. Therefore, it has been classified as a Variant of Uncertain Significance. Algorithms developed to predict the effect of missense changes on protein structure and function output the following: SIFT: "Deleterious"; PolyPhen-2: "Benign"; Align-GVGD: "Class C0". The leucine amino acid residue is found in multiple mammalian species, which suggests that this missense change does not adversely affect protein function. This variant has not been reported in the literature in individuals affected with PIBF1-related conditions. This variant is present in population databases (rs759903563, gnomAD 0.01%). This sequence change replaces serine, which is neutral and polar, with leucine, which is neutral and non-polar, at codon 617 of the PIBF1 protein (p.Ser617Leu).